The following is an entry in ClinVar:

NM_181882.3(PRX):c.2583G>A (p.Leu861=)

Gene: PRX (periaxin; minus strand). Cytogenetic location: 19q13.2.
Variant type: single nucleotide variant.
Coding change: c.2583G>A on transcript NM_181882.3 (MANE Select); coding-DNA position 2583, G replaced by A.
Protein change: p.Leu861=; no amino-acid change (leucine 861 retained).
Molecular consequence: synonymous variant. On other transcripts: 3 prime UTR variant (1).
Genome position (GRCh38, 1-based): chr19:40,395,769, C>T on the plus strand (G>A on the coding strand, the complement: PRX is on the minus strand). VCF-style: chr19-40395769-C-T. GRCh37 (hg19) VCF-style: chr19-40901676-C-T.
Other names: c.2868G>A, p.Leu956= (NM_001411127.1); c.*2788G>A (NM_020956.2).
Identifiers: ClinVar variation 3571748 (VCV003571748.1).

ClinVar aggregate classification (germline): Uncertain significance (1 of 4 stars; one submission).

Submission:

Athena Diagnostics
Classification: Uncertain significance. Last evaluated: 2024-05-14. Review status: criteria provided, single submitter. Criteria: Athena Diagnostics Criteria. Collection method: clinical testing. Allele origin: unknown.
Comment: Available data are insufficient to determine the clinical significance of the variant at this time. This variant has not been reported in large, multi-ethnic general populations. Computational tools yielded predictions that this variant is unlikely to have an effect on normal RNA splicing.